The following is an entry in ClinVar:

NM_004646.4(NPHS1):c.2417C>A (p.Ala806Asp)

Gene: NPHS1 (NPHS1 adhesion molecule, nephrin; minus strand). Cytogenetic location: 19q13.12.
Variant type: single nucleotide variant.
Coding change: c.2417C>A on transcript NM_004646.4 (MANE Select); coding-DNA position 2417, C replaced by A.
Protein change: p.Ala806Asp; replaces alanine 806 with aspartic acid.
Molecular consequence: missense variant.
Genome position (GRCh38, 1-based): chr19:35,842,468, G>T on the plus strand (C>A on the coding strand, the complement: NPHS1 is on the minus strand). VCF-style: chr19-35842468-G-T. GRCh37 (hg19) VCF-style: chr19-36333370-G-T.
Other names: short protein forms A806D.
Identifiers: ClinVar variation 56473 (VCV000056473.27), dbSNP rs386833912, ClinGen allele CA250185.
Genomic context (GRCh38, chr19:35,842,468, plus strand): 5'-GCTGGAGGCGCCACCCCATTGTCCACAATGCACTGGTAAGCGCCAGCCTGGGCCAGTTTG[G>T]CATGGTGAATCCGCAGGCGCCCCGTTGGTCCCCTGGATATCTTCTCCATGTCATCCAGGC-3'
Protein context (NP_004637.1, residues 796-816): GPTGRLRIHH[Ala806Asp]KLAQAGAYQC

ClinVar aggregate classification (germline): Pathogenic. Review status: criteria provided, multiple submitters, no conflicts (2 of 4 stars). 14 submissions from 14 submitters: Pathogenic (11). 3 of the submissions do not count toward it. Last evaluated 2026-06-29.

Conditions:
NPHS1-related disorder. Also called: NPHS1-related condition.
Finnish congenital nephrotic syndrome (NPHS1). Also called: NEPHROTIC SYNDROME, TYPE 1. Identifiers: Orphanet 839, MedGen C0403399, MONDO:0009732, OMIM 256300.

Allele frequency attached by ClinVar (database versions not stated): ExAC 0.00001; gnomAD 0.00001 and 0.00002; gnomAD exomes 0.00001 and 0.00002; TOPMed 0.00001.

Submissions (14):

Victorian Clinical Genetics Services, Murdoch Childrens Research Institute
Classification: Pathogenic for Finnish congenital nephrotic syndrome. Last evaluated: 2026-06-29. Review status: criteria provided, single submitter. Criteria: ACMG Guidelines, 2015. Collection method: clinical testing. Allele origin: germline. Affected: no.
Comment: This variant is classified as Pathogenic. Evidence in support of pathogenic classification: This variant is present in gnomAD <0.01 for a recessive condition (v4: 31 heterozygote(s), 0 homozygote(s)); This variant has strong previous evidence of pathogenicity in unrelated individuals. This variant has been reported as pathogenic by multiple clinical laboratories in ClinVar. This variant has also been reported in a homozygous individual with congenital nephrotic syndrome (PMID: 33980730). Additional information: This variant is predicted to result in a missense amino acid change from Ala to Asp; This variant is heterozygous; This gene is associated with autosomal recessive disease; Variant is located in the annotated immunoglobulin domain (DECIPHER); Missense variant with inconclusive in silico prediction(s) and/or uninformative conservation; Loss of function is a known mechanism of disease in this gene and is associated with nephrotic syndrome, type 1 (MIM#256300).

PreventionGenetics, part of Exact Sciences
Classification: Pathogenic for NPHS1-related condition. Last evaluated: 2025-08-04. Review status: criteria provided, single submitter. Criteria: ACMG Guidelines, 2015. Collection method: clinical testing. Allele origin: germline.
Comment: The NPHS1 c.2417C>A variant is predicted to result in the amino acid substitution p.Ala806Asp. This variant has been reported to be pathogenic for congenital nephrotic syndrome due to impaired cell surface translocation (Lenkkeri et al. 1999. PubMed ID: 9915943; Machuca et al. 2010. PubMed ID: 20507940; Liu et al. 2001. PubMed ID: 11726550). This variant is reported in 0.0018% of alleles in individuals of European (non-Finnish) descent in gnomAD. This variant is interpreted as pathogenic.

Natera, Inc.
Classification: Pathogenic for Finnish congenital nephrotic syndrome. Last evaluated: 2024-10-22. Review status: criteria provided, single submitter. Criteria: Natera Variant Classification Schema (03/2026). Collection method: clinical testing. Allele origin: germline.
Comment: The c.2417C>A variant in NPHS1 is a missense variant predicted to cause substitution of alanine to aspartic acid at amino acid 806. This variant is rare in the general population with a frequency below the threshold expected for the associated phenotype(s). This variant has been observed in one or more individuals affected with the associated recessive disease, as either homozygous or compound heterozygous with a second variant (PMID: 9915943, 20507940). Computational prediction algorithms indicate this variant is likely to affect gene or protein function. Given the available evidence, this variant is classified as Pathogenic.

Women's Health and Genetics/Laboratory Corporation of America, LabCorp
Classification: Pathogenic for Finnish congenital nephrotic syndrome. Last evaluated: 2024-08-15. Review status: criteria provided, single submitter. Criteria: LabCorp Variant Classification Summary - May 2015. Collection method: clinical testing. Allele origin: germline.
Comment: Variant summary: NPHS1 c.2417C>A (p.Ala806Asp) results in a non-conservative amino acid change located in the Immunoglobulin subtype 2 domain (IPR003598) of the encoded protein sequence. Three of five in-silico tools predict a damaging effect of the variant on protein function. The variant allele was found at a frequency of 8e-06 in 251454 control chromosomes. c.2417C>A has been reported in the literature in individuals affected with Nephrotic Syndrome, Type 1 (example: Lenkkeri_1999, Santin_2009, Lovric_2014). These data indicate that the variant is likely to be associated with disease. At least one publication reports experimental evidence evaluating an impact on protein function. The most pronounced variant effect impairs cellular localization (Liu_2001). The following publications have been ascertained in the context of this evaluation (PMID: 9915943, 19812541, 11726550, 24742477). ClinVar contains an entry for this variant (Variation ID: 56473). Based on the evidence outlined above, the variant was classified as pathogenic.

GeneDx
Classification: Pathogenic. Last evaluated: 2024-06-19. Review status: criteria provided, single submitter. Criteria: GeneDx Variant Classification Process June 2021. Collection method: clinical testing. Allele origin: germline. Affected: yes.
Comment: Published functional studies demonstrate that this variant impairs transport of mutated proteins to the cell surface (PMID: 11726550); Not observed at significant frequency in large population cohorts (gnomAD); This variant is associated with the following publications: (PMID: 24742477, 21415313, 32462257, 19812541, 20507940, 9915943, 11317351, 23349334, 11726550, 29474669, 33980730)

Labcorp Genetics (formerly Invitae), Labcorp
Classification: Pathogenic. Last evaluated: 2024-03-13. Review status: criteria provided, single submitter. Criteria: Invitae Variant Classification Sherloc (09022015). Collection method: clinical testing. Allele origin: germline.
Comment: This sequence change replaces alanine, which is neutral and non-polar, with aspartic acid, which is acidic and polar, at codon 806 of the NPHS1 protein (p.Ala806Asp). This variant is present in population databases (rs386833912, gnomAD 0.002%). This missense change has been observed in individuals with congenital nephrotic syndrome (PMID: 9915943, 20507940, 21415313, 24742477, 33980730). ClinVar contains an entry for this variant (Variation ID: 56473). Advanced modeling of protein sequence and biophysical properties (such as structural, functional, and spatial information, amino acid conservation, physicochemical variation, residue mobility, and thermodynamic stability) performed at Invitae indicates that this missense variant is expected to disrupt NPHS1 protein function with a positive predictive value of 80%. Experimental studies have shown that this missense change affects NPHS1 function (PMID: 11726550). This variant disrupts the p.Ala806 amino acid residue in NPHS1. Other variant(s) that disrupt this residue have been determined to be pathogenic (PMID: 23349334; Invitae). This suggests that this residue is clinically significant, and that variants that disrupt this residue are likely to be disease-causing. For these reasons, this variant has been classified as Pathogenic.

Blueprint Genetics
Classification: Pathogenic for NPHS1-related disorders. Last evaluated: 2024-03-05. Review status: criteria provided, single submitter. Criteria: ACMG Guidelines, 2015. Collection method: clinical testing. Allele origin: germline. Affected: yes. Observed: 4 variant alleles.

Vasylyeva lab, Texas Tech University Health Sciences Center
Classification: Pathogenic for Finnish congenital nephrotic syndrome. Last evaluated: 2020-09-16. Review status: criteria provided, single submitter. Criteria: ACMG Guidelines, 2015. Collection method: clinical testing. Allele origin: unknown. Affected: yes.

Athena Diagnostics
Classification: Pathogenic. Last evaluated: 2019-12-30. Review status: criteria provided, single submitter. Criteria: Athena Diagnostics Criteria. Collection method: clinical testing. Allele origin: unknown.
Comment: The frequency of this variant in the general population is consistent with pathogenicity. Conflicting predictions of the effect on the protein. In multiple individuals, this variant has been seen with a single recessive pathogenic variant in the same gene, suggesting this variant may also be pathogenic. Assessment of experimental evidence suggests this variant results in abnormal protein function.

Illumina Laboratory Services, Illumina
Classification: Pathogenic for Finnish congenital nephrotic syndrome. Last evaluated: 2018-08-22. Review status: criteria provided, single submitter. Criteria: ICSL Variant Classification Criteria 09 May 2019. Collection method: clinical testing. Allele origin: germline.
Comment: The NPHS1 c.2417C>A (p.Ala806Asp) variant has been reported in at least five studies and is found in a homozygous state in three probands and in a compound heterozygous state in two probands with congenital Finnish nephrosis (Lenkerri et al. 1999; Santin et al. 2009; Santin et al. 2011; Lovric et al. 2014; Machuca et al. 2014; Berody et al. 2018). The p.Ala806Asp variant was absent from 30 controls and is reported at a frequency of 0.00002 in the European (non-Finnish) population of the Exome Aggregation Consortium but this is based on one allele so the variant is presumed to be rare. Immunostaining of cells with wildtype NPHS1 demonstrated expression at the plasma membrane, whereas in cells containing the p.Ala806Asp variant there was no detectable surface staining observed (Liu et al. 2001). Based on the evidence, the p.Ala806Asp variant is classified as pathogenic for congenital nephrotic syndrome. This variant was observed by ICSL as part of a predisposition screen in an ostensibly healthy population.

Equipe Genetique des Anomalies du Developpement, Université de Bourgogne
Classification: Pathogenic for Finnish congenital nephrotic syndrome. Last evaluated: 2016-06-07. Review status: criteria provided, single submitter. Criteria: ACMG Guidelines, 2015. Collection method: clinical testing. Allele origin: unknown. Affected: yes. Study: Clinvar_gadteam_Clinical_exome_analysis_3.

Solve-RD Consortium
Classification: Likely pathogenic for Finnish congenital nephrotic syndrome. Last evaluated: 2022-06-01. Review status: no assertion criteria provided. Collection method: provider interpretation. Allele origin: inherited. Affected: yes. Not counted in ClinVar's aggregate classification.
Comment: Variant confirmed as disease-causing by referring clinical team

Variant identified during reanalysis of unsolved cases by the Solve-RD project. The Solve-RD project has received funding from the European Union’s Horizon 2020 research and innovation programme under grant agreement No 779257.

Counsyl
Classification: Likely pathogenic for Finnish congenital nephrotic syndrome. Last evaluated: 2014-06-12. Review status: no assertion criteria provided. Collection method: literature only. Allele origin: unknown. Inheritance: Autosomal recessive inheritance. Not counted in ClinVar's aggregate classification.

Juha Muilu Group; Institute for Molecular Medicine Finland (FIMM)
Classification: Likely pathogenic for Finnish congenital nephrotic syndrome. Review status: no assertion criteria provided. Collection method: not provided. Allele origin: unknown. Not counted in ClinVar's aggregate classification.
Comment: FinDis database variant: This variant was not found or characterized by our laboratory, data were collected from public sources: see reference
ClinVar note: Converted during submission from probable-pathogenic to Likely pathogenic.

Literature cited by the submitters: PubMed 33980730 (cited by Victorian Clinical Genetics Services, Murdoch Childrens Research Institute and Labcorp Genetics (formerly Invitae), Labcorp); PubMed 9915943 (cited by 7 submitters); PubMed 20507940 (cited by 6 submitters); PubMed 11726550 (cited by 6 submitters); PubMed 24742477 (cited by 5 submitters); PubMed 19812541 (cited by 4 submitters); PubMed 21415313 (cited by 5 submitters); PubMed 23349334 (cited by Labcorp Genetics (formerly Invitae), Labcorp); PubMed 29474669 (cited by Athena Diagnostics and Illumina Laboratory Services, Illumina); PubMed 39825153 (cited by Solve-RD Consortium).